The following is an entry in ClinVar:

NC_000012.11:g.(?_32945358)_(33049665_?)del

Gene: PKP2 (plakophilin 2; minus strand). Cytogenetic location: 12p11.21.
Variant type: Deletion.
Identifiers: ClinVar variation 3244291 (VCV003244291.1).

ClinVar aggregate classification (germline): Pathogenic (1 of 4 stars; one submission).

Conditions:
Arrhythmogenic right ventricular dysplasia 9 (ARVD9). Also called: Arrhythmogenic Right Ventricular Dysplasia/Cardiomyopathy 9; ARRHYTHMOGENIC RIGHT VENTRICULAR DYSPLASIA, FAMILIAL, 9. Identifiers: MedGen C1836906, MONDO:0012180, OMIM 609040.

Submission:

Labcorp Genetics (formerly Invitae), Labcorp
Classification: Pathogenic for Arrhythmogenic right ventricular dysplasia 9. Last evaluated: 2023-08-22. Review status: criteria provided, single submitter. Criteria: Invitae Variant Classification Sherloc (09022015). Collection method: clinical testing. Allele origin: unknown.
Comment: For these reasons, this variant has been classified as Pathogenic. Isolated whole-gene deletions of PKP2 have not been reported in the literature. However, larger copy number events that include this gene have been reported (PMID: 27030002, 28416588, 29038103). A gross deletion of the genomic region encompassing the full coding sequence of the PKP2 gene has been identified. Loss-of-function variants in PKP2 are known to be pathogenic (PMID: 15489853, 23911551). The boundaries of this event are unknown as they extend beyond the assayed region for this gene and therefore may encompass additional genes.

Literature cited by the submitters: PubMed 27030002; PubMed 28416588; PubMed 29038103; PubMed 15489853; PubMed 23911551.